The following is an entry in ClinVar:

NM_015272.5(RPGRIP1L):c.962G>A (p.Arg321His)

Gene: RPGRIP1L (RPGRIP1 like; minus strand). Cytogenetic location: 16q12.2.
Variant type: single nucleotide variant.
Coding change: c.962G>A on transcript NM_015272.5 (MANE Select); coding-DNA position 962, G replaced by A.
Protein change: p.Arg321His; replaces arginine 321 with histidine.
Molecular consequence: missense variant.
Genome position (GRCh38, 1-based): chr16:53,672,937, C>T on the plus strand (G>A on the coding strand, the complement: RPGRIP1L is on the minus strand). VCF-style: chr16-53672937-C-T. GRCh37 (hg19) VCF-style: chr16-53706849-C-T.
Other names: c.962G>A, p.Arg321His (NM_001127897.4, NM_001308334.3, NM_001330538.2); c.962G>A (NM_015272.4, NM_001127897.3); short protein forms R321H.
Identifiers: ClinVar variation 283929 (VCV000283929.46), dbSNP rs183419371, ClinGen allele CA8057968.

ClinVar aggregate classification (germline): Conflicting classifications of pathogenicity. Review status: criteria provided, conflicting classifications (1 of 4 stars). 12 submissions from 10 submitters: Uncertain significance (7); Benign (1); Likely benign (1). 3 of the submissions do not count toward it. Last evaluated 2024-11-05.

Conditions:
RPGRIP1L-related disorder. Also called: RPGRIP1L-related condition; RPGRIP1L-related disorders. Identifiers: MedGen CN239416.
Meckel syndrome, type 5 (MKS5). Identifiers: Orphanet 564, MedGen C1969052, MONDO:0012695, OMIM 611561.
COACH syndrome 3. Identifiers: MedGen C5436841, MONDO:0030862, OMIM 619113.
Joubert syndrome 7 (JBTS7). Identifiers: Orphanet 220497, MedGen C1969053, MONDO:0012694, OMIM 611560.
Joubert syndrome. Also called: JOUBERT-BOLTSHAUSER SYNDROME; Familial aplasia of the vermis. Identifiers: Orphanet 475, MedGen C5979921, MONDO:0018772.
Meckel-Gruber syndrome. Also called: DYSENCEPHALIA SPLANCHNOCYSTICA; GRUBER SYNDROME; Dysencephalia splachnocystica. Identifiers: Orphanet 564, MedGen C0265215, MONDO:0018921.
Nephronophthisis 8. Identifiers: MedGen CN119610.

Allele frequency attached by ClinVar (database versions not stated): gnomAD 0.00009 and 0.00013; gnomAD exomes 0.00017; ExAC 0.00022; TOPMed 0.00022; 1000 Genomes Project 0.00040; 1000 Genomes Project 30x 0.00047.
gnomAD v4.1: 152 of 1,612,240 alleles (0.0094%); highest among the groups gnomAD compares: East Asian, 0.13%; no homozygotes.

Submissions (12):

Blueprint Genetics
Classification: Benign. Last evaluated: 2024-11-05. Review status: criteria provided, single submitter. Criteria: ACMG Guidelines, 2015. Collection method: clinical testing. Allele origin: germline.

CeGaT Center for Human Genetics Tuebingen
Classification: Uncertain significance. Last evaluated: 2024-07-01. Review status: criteria provided, single submitter. Criteria: CeGaT Center For Human Genetics Tuebingen Variant Classification Criteria Version 2. Collection method: clinical testing. Allele origin: germline. Affected: yes. Observed: 2 variant alleles.

Fulgent Genetics
Classification: Uncertain significance for Joubert syndrome 7; Meckel syndrome, type 5; COACH syndrome 3. Last evaluated: 2024-02-15. Review status: criteria provided, single submitter. Criteria: ACMG Guidelines, 2015. Collection method: clinical testing. Allele origin: germline.

Labcorp Genetics (formerly Invitae), Labcorp
Classification: Uncertain significance for Joubert syndrome; Meckel-Gruber syndrome. Last evaluated: 2022-10-18. Review status: criteria provided, single submitter. Criteria: Invitae Variant Classification Sherloc (09022015). Collection method: clinical testing. Allele origin: germline.
Comment: This sequence change replaces arginine, which is basic and polar, with histidine, which is basic and polar, at codon 321 of the RPGRIP1L protein (p.Arg321His). This variant is present in population databases (rs183419371, gnomAD 0.2%). This missense change has been observed in individual(s) with Joubert syndrome (PMID: 27434533). ClinVar contains an entry for this variant (Variation ID: 283929). Advanced modeling of protein sequence and biophysical properties (such as structural, functional, and spatial information, amino acid conservation, physicochemical variation, residue mobility, and thermodynamic stability) performed at Invitae indicates that this missense variant is not expected to disrupt RPGRIP1L protein function. In summary, the available evidence is currently insufficient to determine the role of this variant in disease. Therefore, it has been classified as a Variant of Uncertain Significance.

Laboratory for Molecular Medicine, Mass General Brigham Personalized Medicine
Classification: Likely benign. Last evaluated: 2020-08-11. Review status: criteria provided, single submitter. Criteria: ACMG Guidelines, 2015. Collection method: clinical testing. Allele origin: germline.
Comment: The p.Arg321His variant in RPGRIP1L is classified as likely benign due to lack of conservation among species (at least 3 primate species having a His at this position). It has also been identified in 0.14% (29/19946) of East Asian chromosomes by gnomAD and computational prediction tools and conservation analyses suggest that it may not impact the protein. It has been reported in 1 compound heterozygous individual with Joubert syndrome; however, this individual also carried 2 variants in TMEM67 (Suzuki 2016 PMID: PMID: 27434533). ACMG/AMP Criteria applied: BP4_Strong, BS1_Supporting.

Illumina Laboratory Services, Illumina
Classification: Uncertain significance for Nephronophthisis 8. Last evaluated: 2017-04-27. Review status: criteria provided, single submitter. Criteria: ICSL Variant Classification Criteria 13 December 2019. Collection method: clinical testing. Allele origin: germline.

Illumina Laboratory Services, Illumina
Classification: Uncertain significance for Meckel syndrome, type 5. Last evaluated: 2017-04-27. Review status: criteria provided, single submitter. Criteria: ICSL Variant Classification Criteria 13 December 2019. Collection method: clinical testing. Allele origin: germline.

Illumina Laboratory Services, Illumina
Classification: Uncertain significance for Joubert syndrome 7. Last evaluated: 2017-04-27. Review status: criteria provided, single submitter. Criteria: ICSL Variant Classification Criteria 13 December 2019. Collection method: clinical testing. Allele origin: germline.
Comment: This variant was observed as part of a predisposition screen in an ostensibly healthy population. A literature search was performed for the gene, cDNA change, and amino acid change (where applicable). Publications were found based on this search. However, the evidence from the literature, in combination with allele frequency data from public databases where available, was not sufficient to rule this variant in or out of causing disease. Therefore, this variant is classified as a variant of unknown significance.

Eurofins Ntd Llc (ga)
Classification: Uncertain significance. Last evaluated: 2015-10-09. Review status: criteria provided, single submitter. Criteria: EGL Classification Definitions 2015. Collection method: clinical testing. Allele origin: germline. Observed: 2 variant alleles, 2 heterozygotes.

PreventionGenetics, part of Exact Sciences
Classification: Uncertain significance for RPGRIP1L-related condition. Last evaluated: 2024-01-09. Review status: no assertion criteria provided. Collection method: clinical testing. Allele origin: germline. Not counted in ClinVar's aggregate classification.
Comment: The RPGRIP1L c.962G>A variant is predicted to result in the amino acid substitution p.Arg321His. This variant has been reported in the compound heterozygous state in an individual with Joubert syndrome and in the heterozygous state in an individual with adolescent idiopathic scoliosis (Suzuki et al. 2016. PubMed ID: 27434533; Supplementary Table 4, Jiang et al. 2020. PubMed ID: 32381728). This variant is reported in 0.15% of alleles in individuals of East Asian descent in gnomAD. At this time, the clinical significance of this variant is uncertain due to the absence of conclusive functional and genetic evidence.

Natera, Inc.
Classification: Uncertain significance for Joubert syndrome. Last evaluated: 2020-01-13. Review status: no assertion criteria provided. Collection method: clinical testing. Allele origin: germline. Not counted in ClinVar's aggregate classification.

Neurology Department of Pediatrics, The Third Affiliated Hospital of Zhengzhou University
Classification: Uncertain significance for Joubert syndrome 7. Review status: no assertion criteria provided. Collection method: clinical testing. Allele origin: inherited. Inheritance: Autosomal recessive inheritance. Affected: yes. Not counted in ClinVar's aggregate classification.

Literature cited by the submitters: PubMed 27434533 (cited by Labcorp Genetics (formerly Invitae), Labcorp and Illumina Laboratory Services, Illumina).